The following is an entry in ClinVar:

NM_033004.4(NLRP1):c.2205G>A (p.Met735Ile)

Gene: NLRP1 (NLR family pyrin domain containing 1; minus strand). Cytogenetic location: 17p13.2.
Variant type: single nucleotide variant.
Coding change: c.2205G>A on transcript NM_033004.4 (MANE Select); coding-DNA position 2205, G replaced by A.
Protein change: p.Met735Ile; replaces methionine 735 with isoleucine.
Molecular consequence: missense variant.
Genome position (GRCh38, 1-based): chr17:5,558,491, C>T on the plus strand (G>A on the coding strand, the complement: NLRP1 is on the minus strand). VCF-style: chr17-5558491-C-T. GRCh37 (hg19) VCF-style: chr17-5461811-C-T.
Other names: c.2205G>A, p.Met735Ile (NM_014922.5, NM_033006.4, NM_033007.4 and 1 more transcripts); short protein forms M735I.
Identifiers: ClinVar variation 1717975 (VCV001717975.5), dbSNP rs2507935186, ClinGen allele CA397382787.

ClinVar aggregate classification (germline): Uncertain significance (1 of 4 stars; one submission).

Submission:

Labcorp Genetics (formerly Invitae), Labcorp
Classification: Uncertain significance. Last evaluated: 2022-09-29. Review status: criteria provided, single submitter. Criteria: Invitae Variant Classification Sherloc (09022015). Collection method: clinical testing. Allele origin: germline.
Comment: This variant has not been reported in the literature in individuals affected with NLRP1-related conditions. Algorithms developed to predict the effect of missense changes on protein structure and function are either unavailable or do not agree on the potential impact of this missense change (SIFT: "Deleterious"; PolyPhen-2: "Benign"; Align-GVGD: "Class C0"). In summary, the available evidence is currently insufficient to determine the role of this variant in disease. Therefore, it has been classified as a Variant of Uncertain Significance. This variant is not present in population databases (gnomAD no frequency). This sequence change replaces methionine, which is neutral and non-polar, with isoleucine, which is neutral and non-polar, at codon 735 of the NLRP1 protein (p.Met735Ile).